The following is an entry in ClinVar:

ClinVar aggregate classification (germline): Uncertain significance (1 of 4 stars; one submission).

Conditions:
Deficiency of alpha-mannosidase (MANSA). Also called: LYSOSOMAL ALPHA-D-MANNOSIDASE DEFICIENCY; Mannosidosis, alpha-, types I and II; Alpha-Mannosidosis. Identifiers: Orphanet 61, MedGen C0024748, MONDO:0009561, OMIM 248500.

Allele frequency attached by ClinVar (database versions not stated): ExAC 0.00001; gnomAD 0.00001; gnomAD exomes 0.00001 and 0.00002; TOPMed 0.00001.
gnomAD v4.1: 13 of 1,613,998 alleles (0.00081%); highest among the groups gnomAD compares: East Asian, 0.011%; 1 homozygote.

Submission:

Labcorp Genetics (formerly Invitae), Labcorp
Classification: Uncertain significance for Deficiency of alpha-mannosidase. Last evaluated: 2021-09-17. Review status: criteria provided, single submitter. Criteria: Invitae Variant Classification Sherloc (09022015). Collection method: clinical testing. Allele origin: germline.
Comment: This sequence change replaces proline with leucine at codon 277 of the MAN2B1 protein (p.Pro277Leu). The proline residue is highly conserved and there is a moderate physicochemical difference between proline and leucine. The frequency data for this variant in the population databases is considered unreliable, as metrics indicate poor data quality at this position in the ExAC database. This variant has not been reported in the literature in individuals with MAN2B1-related conditions. Algorithms developed to predict the effect of missense changes on protein structure and function (SIFT, PolyPhen-2, Align-GVGD) all suggest that this variant is likely to be disruptive, but these predictions have not been confirmed by published functional studies and their clinical significance is uncertain. In summary, the available evidence is currently insufficient to determine the role of this variant in disease. Therefore, it has been classified as a Variant of Uncertain Significance.

NM_000528.4(MAN2B1):c.830C>T (p.Pro277Leu)

Gene: MAN2B1 (mannosidase alpha class 2B member 1; minus strand). Cytogenetic location: 19p13.13.
Variant type: single nucleotide variant.
Coding change: c.830C>T on transcript NM_000528.4 (MANE Select); coding-DNA position 830, C replaced by T.
Protein change: p.Pro277Leu; replaces proline 277 with leucine.
Molecular consequence: missense variant.
Genome position (GRCh38, 1-based): chr19:12,663,396, G>A on the plus strand (C>T on the coding strand, the complement: MAN2B1 is on the minus strand). VCF-style: chr19-12663396-G-A. GRCh37 (hg19) VCF-style: chr19-12774210-G-A.
Other names: c.830C>T, p.Pro277Leu (NM_001173498.2); short protein forms P277L.
Identifiers: ClinVar variation 1446509 (VCV001446509.5), dbSNP rs779091097, ClinGen allele CA9226698.
Genomic context (GRCh38, chr19:12,663,396, plus strand): 5'-AGGAAGTAATCGACCAGCTCCTTGGCGTTGTACTCGGGGCTGCGAGGGTCCTCCACCAGC[G>A]GCTGATCGACACACAGCACATCCCAGCACAGATTCCTTGGCGGGTTGTAACCATTGGGAA-3'
Protein context (NP_000519.2, residues 267-287): LCWDVLCVDQ[Pro277Leu]LVEDPRSPEY